The following is an entry in ClinVar:

NM_014946.4(SPAST):c.1245+2T>G

Gene: SPAST (spastin; plus strand). Cytogenetic location: 2p22.3.
Variant type: single nucleotide variant.
Coding change: c.1245+2T>G on transcript NM_014946.4 (MANE Select); the canonical splice donor site of the intron after coding-DNA position 1245, T replaced by G.
Molecular consequence: splice donor variant.
Genome position (GRCh38, 1-based): chr2:32,128,481, T>G. VCF-style: chr2-32128481-T-G. GRCh37 (hg19) VCF-style: chr2-32353550-T-G.
Other names: c.1149+2T>G (NM_199436.2, NM_001377959.1); c.1242+2T>G (NM_001363823.2); c.1146+2T>G (NM_001363875.2).
Identifiers: ClinVar variation 4998409 (VCV004998409.1).

ClinVar aggregate classification (germline): Likely pathogenic (1 of 4 stars; one submission).

Conditions:
SPAST-related disorder. Also called: SPAST-related condition.

Submission:

PreventionGenetics, part of Exact Sciences
Classification: Likely pathogenic for SPAST-related condition. Last evaluated: 2025-08-05. Review status: criteria provided, single submitter. Criteria: ACMG Guidelines, 2015. Collection method: clinical testing. Allele origin: germline.
Comment: The SPAST c.1245+2T>G variant is predicted to disrupt the GT donor site and interfere with normal splicing. To our knowledge, this variant has not been reported in the literature or in a large population database (gnomAD), indicating this variant is rare. Variants that disrupt the consensus splice donor site in SPAST are expected to be pathogenic. This variant is interpreted as likely pathogenic.